The following is an entry in ClinVar:

NM_005159.5(ACTC1):c.769T>C (p.Phe257Leu)

Genes: GJD2-DT (GJD2 divergent transcript; plus strand), ACTC1 (actin alpha cardiac muscle 1; minus strand). Cytogenetic location: 15q14.
Variant type: single nucleotide variant.
Coding change: c.769T>C on transcript NM_005159.5 (MANE Select); coding-DNA position 769, T replaced by C.
Protein change: p.Phe257Leu; replaces phenylalanine 257 with leucine.
Molecular consequence: missense variant.
Genome position (GRCh38, 1-based): chr15:34,792,129, A>G on the plus strand (T>C on the coding strand, the complement: ACTC1 is on the minus strand). VCF-style: chr15-34792129-A-G. GRCh37 (hg19) VCF-style: chr15-35084330-A-G.
Other names: p.F257L:TTC>CTC; c.769T>C (LRG_388t1); short protein forms F257L.
Identifiers: ClinVar variation 180765 (VCV000180765.9), dbSNP rs730880399, ClinGen allele CA019904.

ClinVar aggregate classification (germline): Uncertain significance. Review status: criteria provided, multiple submitters, no conflicts (2 of 4 stars). 3 submissions from 3 submitters: Uncertain significance (3). Last evaluated 2022-10-05.

Conditions:
Cardiovascular phenotype. Identifiers: MedGen CN230736.
Cardiomyopathy (CMYO). Also called: Cardiomyopathies. Identifiers: Orphanet 167848, MedGen C0878544, MONDO:0004994, HP:0001638. Inheritance: Various modes of inheritance.

Allele frequency attached by ClinVar (database versions not stated): gnomAD exomes below 0.00001; TOPMed below 0.00001.
gnomAD v4.1: 1 of 1,614,238 alleles (0.000062%); highest among the groups gnomAD compares: Non-Finnish European, 0.000085%; no homozygotes.

Submissions (3):

CHEO Genetics Diagnostic Laboratory, Children's Hospital of Eastern Ontario
Classification: Uncertain significance for Cardiomyopathy. Last evaluated: 2022-10-05. Review status: criteria provided, single submitter. Criteria: ACMG Guidelines, 2015. Collection method: clinical testing. Allele origin: germline.

GeneDx
Classification: Uncertain significance. Last evaluated: 2022-09-20. Review status: criteria provided, single submitter. Criteria: GeneDx Variant Classification Process June 2021. Collection method: clinical testing. Allele origin: germline. Affected: yes.
Comment: Has not been previously published as pathogenic or benign to our knowledge; Not observed at significant frequency in large population cohorts (gnomAD); In silico analysis supports that this missense variant has a deleterious effect on protein structure/function

Ambry Genetics
Classification: Uncertain significance for Cardiovascular phenotype. Last evaluated: 2015-11-11. Review status: criteria provided, single submitter. Criteria: Ambry Variant Classification Scheme 2023. Collection method: clinical testing. Allele origin: germline.
Comment: The p.F257L variant (also known as c.769T>C), located in coding exon 4 of the ACTC1 gene, results from a T to C substitution at nucleotide position 769. The phenylalanine at codon 257 is replaced by leucine, an amino acid with highly similar properties. This variant was previously reported in the SNPDatabase as rs730880399. This variant was not reported in population based cohorts in the following databases: NHLBI Exome Sequencing Project (ESP), and 1000 Genomes Project. In the ESP, this variant was not observed in 6499 samples (12998 alleles) with coverage at this position. This amino acid position is highly conserved in available vertebrate species. In addition, this alteration is predicted to be deleterious by in silico analysis. Since supporting evidence is limited at this time, the clinical significance of this variant remains unclear.